The following is an entry in ClinVar:

NM_014739.3(BCLAF1):c.2096G>A (p.Arg699His)

Gene: BCLAF1 (BCL2 associated transcription factor 1; minus strand). Cytogenetic location: 6q23.3.
Variant type: single nucleotide variant.
Coding change: c.2096G>A on transcript NM_014739.3 (MANE Select); coding-DNA position 2096, G replaced by A.
Protein change: p.Arg699His; replaces arginine 699 with histidine.
Molecular consequence: missense variant. On other transcripts: non-coding transcript variant (7), intron variant (1).
Genome position (GRCh38, 1-based): chr6:136,269,560, C>T on the plus strand (G>A on the coding strand, the complement: BCLAF1 is on the minus strand). VCF-style: chr6-136269560-C-T. GRCh37 (hg19) VCF-style: chr6-136590698-C-T.
Other names: c.2090G>A, p.Arg697His (NM_001077440.3, NM_001301038.3); c.1577G>A, p.Arg526His (NM_001077441.3, NM_001386697.1, NM_001386702.1 and 1 more transcripts); c.2096G>A, p.Arg699His (NM_001363659.3, NM_001386700.1, NM_001386701.1); c.2093G>A, p.Arg698His (NM_001386693.1, NM_001386694.1); c.1574G>A, p.Arg525His (NM_001386695.1); c.1571G>A, p.Arg524His (NM_001386696.1, NM_001386698.1, NM_001386703.1); c.1017-1221G>A (NM_001386699.1); short protein forms R699H, R697H, R526H, R524H, R525H, R698H.
Identifiers: ClinVar variation 402422 (VCV000402422.6), dbSNP rs62431287, ClinGen allele CA4014342.
Genomic context (GRCh38, chr6:136,269,560, plus strand): 5'-CCACTGGATTCCCTGGAGCCCTTGGAATCTCCCCGTTCTTTACTTCTTTCTTTTCTACGG[C>T]GATCAATGTCATGCCGAAGGTCAGCAGAGTCACACCTTAATTTTTTATCTCCCTATAAAA-3'
Protein context (NP_055554.1, residues 689-709): DSADLRHDID[Arg699His]RRKERSKERG

ClinVar aggregate classification (germline): Benign. Review status: criteria provided, single submitter (1 of 4 stars). 2 submissions from 2 submitters: Benign (1). 1 of the submissions does not count toward it. Last evaluated 2016-03-29.

Conditions:
BCLAF1-related disorder. Also called: BCLAF1-related condition.

Allele frequency attached by ClinVar (database versions not stated): gnomAD 0.00001; gnomAD exomes 0.00001; TOPMed 0.00002; ExAC 0.49779.

Submissions (2):

Laboratory for Molecular Medicine, Mass General Brigham Personalized Medicine
Classification: Benign. Last evaluated: 2016-03-29. Review status: criteria provided, single submitter. Criteria: LMM Criteria. Collection method: clinical testing. Allele origin: germline.
Comment: Variant identified in a genome or exome case(s) and assessed due to predicted null impact of the variant or pathogenic assertions in the literature or databases. Disclaimer: This variant has not undergone full assessment. The following are preliminary notes: Frequency (fails inbreeding filter)

PreventionGenetics, part of Exact Sciences
Classification: Benign for BCLAF1-related condition. Last evaluated: 2020-04-16. Review status: no assertion criteria provided. Collection method: clinical testing. Allele origin: germline. Not counted in ClinVar's aggregate classification.
Comment: This variant is classified as benign based on ACMG/AMP sequence variant interpretation guidelines (Richards et al. 2015 PMID: 25741868, with internal and published modifications).